The following is an entry in ClinVar:

ClinVar aggregate classification (germline): Pathogenic. Review status: criteria provided, multiple submitters, no conflicts (2 of 4 stars). 2 submissions from 2 submitters: Pathogenic (2). Last evaluated 2026-04-20.

Conditions:
Tuberous sclerosis syndrome (TSC). Also called: Tuberous Sclerosis Complex; Tuberous sclerosis. Identifiers: Orphanet 805, MedGen C0041341, MONDO:0001734.
Tuberous sclerosis 1 (TSC1). Identifiers: Orphanet 805, MedGen C1854465, MONDO:0008612, OMIM 191100.

Submissions (2):

Cambridge Genomics Laboratory, East Genomic Laboratory Hub, NHS Genomic Medicine Service
Classification: Pathogenic for Tuberous sclerosis. Last evaluated: 2026-04-20. Review status: criteria provided, single submitter. Criteria: ACGS Best Practice Guidelines for Variant Classification in Rare Disease 2020. Collection method: clinical testing. Allele origin: germline. Affected: yes.
Comment: PVS1,PM2

Labcorp Genetics (formerly Invitae), Labcorp
Classification: Pathogenic for Tuberous sclerosis 1. Last evaluated: 2024-09-06. Review status: criteria provided, single submitter. Criteria: Invitae Variant Classification Sherloc (09022015). Collection method: clinical testing. Allele origin: germline.
Comment: This sequence change creates a premature translational stop signal (p.Phe377Trpfs*28) in the TSC1 gene. It is expected to result in an absent or disrupted protein product. Loss-of-function variants in TSC1 are known to be pathogenic (PMID: 10227394, 17304050). This variant is not present in population databases (gnomAD no frequency). This variant has not been reported in the literature in individuals affected with TSC1-related conditions. ClinVar contains an entry for this variant (Variation ID: 534421). For these reasons, this variant has been classified as Pathogenic.

Literature cited by the submitters: PubMed 10227394 (cited by Labcorp Genetics (formerly Invitae), Labcorp); PubMed 17304050 (cited by Labcorp Genetics (formerly Invitae), Labcorp).

NM_000368.5(TSC1):c.1130_1131del (p.Phe377fs)

Gene: TSC1 (TSC complex subunit 1; minus strand). Cytogenetic location: 9q34.13.
Variant type: Deletion.
Coding change: c.1130_1131del on transcript NM_000368.5 (MANE Select); coding-DNA positions 1130 to 1131, 2 bases deleted (TT; older notation c.1130_1131delTT).
Protein change: p.Phe377fs; shifts the reading frame from phenylalanine 377.
Molecular consequence: frameshift variant.
Genome position (GRCh38, 1-based): chr9:132,911,012-132,911,013, AA deleted on the plus strand (TT on the coding strand, the reverse complement: TSC1 is on the minus strand); deleting any 2 consecutive bases within chr9:132,911,012-132,911,014 gives the same sequence; the c. name uses the placement nearest the transcript's 3' end. VCF-style (leftmost placement, unchanged base first): chr9-132911011-CAA-C. GRCh37 (hg19) VCF-style: chr9-135786398-CAA-C.
Other names: c.1130_1131del, p.Phe377fs (NM_001162426.2); c.977_978del, p.Phe326fs (NM_001162427.2); c.767_768del, p.Phe256fs (NM_001362177.2); c.1130_1131delTT (NM_000368.4); short protein forms F256fs, F326fs, F377fs.
Identifiers: ClinVar variation 534421 (VCV000534421.7), dbSNP rs1554817222, ClinGen allele CA658797328.